The following is an entry in ClinVar:

ClinVar aggregate classification (germline): Pathogenic/Likely pathogenic. Review status: criteria provided, multiple submitters, no conflicts (2 of 4 stars). 10 submissions from 10 submitters: Pathogenic (8); Likely pathogenic (1). 1 of the submissions does not count toward it. Last evaluated 2025-12-17.

Conditions:
Lynch syndrome. Identifiers: Orphanet 144, MedGen C4552100, MONDO:0005835. Disease mechanism: loss of function.
Endometrial carcinoma. Also called: Endometrial carcinoma, somatic. Identifiers: MedGen C0476089, MONDO:0002447, OMIM 608089, HP:0012114.
MSH6-related disorder. Also called: MSH6-related condition; MSH6-Related disorders.
Hereditary nonpolyposis colon cancer (HNPCC). Also called: Hereditary nonpolyposis colorectal cancer; Familial nonpolyposis colon cancer; Hereditary Nonpolyposis Colorectal Cancer Syndrome. Identifiers: Orphanet 443909, MedGen C1333990, MONDO:0018630. Disease mechanism: loss of function.
Hereditary nonpolyposis colorectal neoplasms. Identifiers: MedGen C0009405, MeSH D003123.
Hereditary cancer-predisposing syndrome. Also called: Tumor predisposition; Hereditary Cancer Syndrome; Hereditary neoplastic syndrome; Neoplastic Syndromes, Hereditary. Identifiers: Orphanet 140162, MedGen C0027672, MeSH D009386, MONDO:0015356.
Lynch syndrome 5 (LYNCH5). Also called: Hereditary non-polyposis colorectal cancer, type 5; Colorectal cancer, hereditary nonpolyposis, type 5. Identifiers: Orphanet 144, MedGen C1833477, MONDO:0013710, OMIM 614350. Disease mechanism: loss of function.

Allele frequency attached by ClinVar (database versions not stated): gnomAD exomes below 0.00001.

Submissions (10):

Labcorp Genetics (formerly Invitae), Labcorp
Classification: Pathogenic for Hereditary nonpolyposis colorectal neoplasms. Last evaluated: 2025-12-17. Review status: criteria provided, single submitter. Criteria: Invitae Variant Classification Sherloc (09022015). Collection method: clinical testing. Allele origin: germline.
Comment: This sequence change creates a premature translational stop signal (p.Lys606Asnfs*33) in the MSH6 gene. It is expected to result in an absent or disrupted protein product. Loss-of-function variants in MSH6 are known to be pathogenic (PMID: 18269114, 24362816). This variant is not present in population databases (gnomAD no frequency). This premature translational stop signal has been observed in individual(s) with colorectal cancer (PMID: 26485756). Invitae Evidence Modeling of clinical and family history, age, sex, and reported ancestry of multiple individuals with this MSH6 variant has been performed. This variant is expected to be pathogenic with a positive predictive value of at least 99%. This is a validated machine learning model that incorporates the clinical features of 1,627,235 individuals referred to our laboratory for MSH6 testing. ClinVar contains an entry for this variant (Variation ID: 410412). For these reasons, this variant has been classified as Pathogenic.

Department of Clinical Genetics, Copenhagen University Hospital, Rigshospitalet
Classification: Likely pathogenic for Lynch syndrome. Last evaluated: 2025-02-04. Review status: criteria provided, single submitter. Criteria: ACMG Guidelines, 2015. Collection method: clinical testing. Allele origin: germline.
Comment: PVS1; PM2_SUP;

Mayo Clinic Laboratories, Mayo Clinic
Classification: Pathogenic. Last evaluated: 2023-11-07. Review status: criteria provided, single submitter. Criteria: ACMG Guidelines, 2015. Collection method: clinical testing. Allele origin: germline. Observed: 2 variant alleles.
Comment: PP4, PM2_moderate, PVS1

Myriad Genetics, Inc.
Classification: Pathogenic for Lynch syndrome 5. Last evaluated: 2023-08-15. Review status: criteria provided, single submitter. Criteria: Myriad Autosomal Dominant, Autosomal Recessive and X-Linked Classification Criteria (2023). Collection method: clinical testing. Allele origin: unknown.
Comment: This variant is considered pathogenic. This variant creates a frameshift predicted to result in premature protein truncation.

Ambry Genetics
Classification: Pathogenic for Hereditary cancer-predisposing syndrome. Last evaluated: 2023-03-14. Review status: criteria provided, single submitter. Criteria: Ambry Variant Classification Scheme 2023. Collection method: clinical testing. Allele origin: germline.
Comment: The c.1815_1816delTA pathogenic mutation, located in coding exon 4 of the MSH6 gene, results from a deletion of two nucleotides at nucleotide positions 1815 to 1816, causing a translational frameshift with a predicted alternate stop codon (p.K606Nfs*33). This mutation was identified in an HNPCC family from Latvia (Irmejs A et al. Hered Cancer Clin Pract. 2003;1(1):49&ndash;53). This variant is considered to be rare based on population cohorts in the Genome Aggregation Database (gnomAD). In addition to the clinical data presented in the literature, this alteration is expected to result in loss of function by premature protein truncation or nonsense-mediated mRNA decay. As such, this alteration is interpreted as a disease-causing mutation.

Women's Health and Genetics/Laboratory Corporation of America, LabCorp
Classification: Pathogenic for Hereditary nonpolyposis colon cancer. Last evaluated: 2022-12-12. Review status: criteria provided, single submitter. Criteria: LabCorp Variant Classification Summary - May 2015. Collection method: clinical testing. Allele origin: germline.
Comment: Variant summary: MSH6 c.1815_1816delTA (p.Lys606AsnfsX33) results in a premature termination codon, predicted to cause a truncation of the encoded protein or absence of the protein due to nonsense mediated decay, which are commonly known mechanisms for disease. Truncations downstream of this position have been classified as pathogenic by our laboratory. The variant was absent in 250498 control chromosomes (gnomAD). c.1815_1816delTA has been reported in the literature in individuals affected with Hereditary Nonpolyposis Colorectal Cancer (HNPCC) associated tumors, including one proband who was also noted to meet the Amsterdam II criteria for late onset HNPCC (e.g. Irmejs_2003, Maccaroni_2015, Waszak_2018, Dong_2020). These data indicate that the variant is likely to be associated with disease. To our knowledge, no experimental evidence demonstrating an impact on protein function has been reported. Four clinical diagnostic laboratories have submitted clinical-significance assessments for this variant to ClinVar after 2014 and all classified the variant as pathogenic. Based on the evidence outlined above, the variant was classified as pathogenic.

Baylor Genetics
Classification: Pathogenic for Endometrial carcinoma. Last evaluated: 2021-03-05. Review status: criteria provided, single submitter. Criteria: ACMG Guidelines, 2015. Collection method: clinical testing. Allele origin: unknown.

Color Diagnostics, LLC DBA Color Health
Classification: Pathogenic for Hereditary cancer-predisposing syndrome. Last evaluated: 2020-01-15. Review status: criteria provided, single submitter. Criteria: ACMG Guidelines, 2015. Collection method: clinical testing. Allele origin: germline.
Comment: This variant deletes 2 nucleotides in exon 4 of the MSH6 gene, creating a frameshift and premature translation stop signal. This variant is expected to result in an absent or non-functional protein product. This variant has not been identified in the general population by the Genome Aggregation Database (gnomAD). Loss of MSH6 function is a known mechanism of disease. Based on the available evidence, this variant is classified as Pathogenic.

GeneDx
Classification: Pathogenic. Last evaluated: 2016-06-29. Review status: criteria provided, single submitter. Criteria: GeneDx Variant Classification (06012015). Collection method: clinical testing. Allele origin: germline. Affected: yes.
Comment: This deletion of two nucleotides in MSH6 is denoted c.1815_1816delTA at the cDNA level and p.Lys606AsnfsX33 (K606NfsX33) at the protein level. The normal sequence, with the bases that are deleted in braces, is AAAC[TA]AAAC. The deletion causes a frameshift which changes a Lysine to an Asparagine at codon 606, and creates a premature stop codon at position 33 of the new reading frame. This variant is predicted to cause loss of normal protein function through either protein truncation or nonsense-mediated mRNA decay. MSH6 c.1815_1816delTA, also denoted MSH6 c.1815delTA using alternative nomenclature, has been observed at least once, in an individual with colorectal cancer who met Bethesda Guidelines (Maccaroni 2015). We consider this variant to be pathogenic.

PreventionGenetics, part of Exact Sciences
Classification: Pathogenic for MSH6-related condition. Last evaluated: 2023-10-27. Review status: no assertion criteria provided. Collection method: clinical testing. Allele origin: germline. Not counted in ClinVar's aggregate classification.
Comment: The MSH6 c.1815_1816delTA variant is predicted to result in a frameshift and premature protein termination (p.Lys606Asnfs*33). This variant was reported in an individual with colorectal cancer (described as c.1815delTA T605fsX638 in Table 2 in Maccaroni et al 2015. PubMed ID: 26485756) and in an individual with medulloblastoma (Supplementary Table 2 in Waszak SM et al 2018. PubMed ID: 29753700). In ClinVar, this variant is interpreted as pathogenic by multiple clinical laboratories. This variant has not been reported in a large population database, indicating this variant is rare. Frameshift variants in MSH6 are expected to be pathogenic. This variant is interpreted as pathogenic.

Literature cited by the submitters: PubMed 18269114 (cited by Labcorp Genetics (formerly Invitae), Labcorp); PubMed 24362816 (cited by Labcorp Genetics (formerly Invitae), Labcorp); PubMed 26485756 (cited by 3 submitters); PubMed 29753700 (cited by Mayo Clinic Laboratories, Mayo Clinic and Women's Health and Genetics/Laboratory Corporation of America, LabCorp); PubMed 31783044 (cited by Ambry Genetics); PubMed 30787465 (cited by Women's Health and Genetics/Laboratory Corporation of America, LabCorp); PubMed 32030746 (cited by Women's Health and Genetics/Laboratory Corporation of America, LabCorp).

NM_000179.3(MSH6):c.1815_1816del (p.Lys606fs)

Gene: MSH6 (mutS homolog 6; plus strand). Cytogenetic location: 2p16.3.
Variant type: Deletion.
Coding change: c.1815_1816del on transcript NM_000179.3 (MANE Select); coding-DNA positions 1815 to 1816, 2 bases deleted (TA; older notation c.1815_1816delTA).
Protein change: p.Lys606fs; shifts the reading frame from lysine 606.
Molecular consequence: frameshift variant.
Genome position (GRCh38, 1-based): chr2:47,799,798-47,799,799, TA deleted. VCF-style (leftmost placement, unchanged base first): chr2-47799797-CTA-C. GRCh37 (hg19) VCF-style: chr2-48026936-CTA-C.
Other names: p.Lys606Asnfs*33; c.1425_1426del, p.Lys476fs (NM_001281492.2); c.909_910del, p.Lys304fs (NM_001281493.2, NM_001281494.2); c.1815_1816delTA (NM_000179.2); short protein forms K476fs, K304fs, K606fs.
Identifiers: ClinVar variation 410412 (VCV000410412.26), dbSNP rs1060502886, ClinGen allele CA16610988.
Genomic context (GRCh38, chr2:47,799,797, plus strand): 5'-TAGTGGCACACTATCCCCCAGTACAAGTTTTATTTGAAAAAGGAAATCTCTCAAAGGAAA[CTA>C]AAACAATTCTAAAGAGTTCATTGTCCTGTTCTCTTCAGGAAGGTCTGATACCCGGCTCCC-3'